The following is an entry in ClinVar:

ClinVar aggregate classification (germline): Likely pathogenic (1 of 4 stars; one submission).

Conditions:
Dilated cardiomyopathy 1G (CMD1G). Identifiers: Orphanet 154, MedGen C1858763, MONDO:0011400, OMIM 604145.
Autosomal recessive limb-girdle muscular dystrophy type 2J (LGMDR10). Also called: Limb-girdle muscular dystrophy, type 2J; MUSCULAR DYSTROPHY, LIMB-GIRDLE, AUTOSOMAL RECESSIVE 10. Identifiers: Orphanet 140922, MedGen C1837342, MONDO:0012127, OMIM 608807.

Submission:

Labcorp Genetics (formerly Invitae), Labcorp
Classification: Likely pathogenic for Dilated cardiomyopathy 1G; Autosomal recessive limb-girdle muscular dystrophy type 2J. Last evaluated: 2024-03-21. Review status: criteria provided, single submitter. Criteria: Invitae Variant Classification Sherloc (09022015). Collection method: clinical testing. Allele origin: germline.
Comment: This sequence change creates a premature translational stop signal (p.Cys9102*) in the TTN gene. While this is not anticipated to result in nonsense mediated decay, it is expected to create a truncated TTN protein. This variant is not present in population databases (gnomAD no frequency). This variant has not been reported in the literature in individuals affected with TTN-related conditions. This variant is located in the I band of TTN (PMID: 25589632). Truncating variants in this region have been reported in individuals affected with autosomal recessive centronuclear myopathy (PMID: 23975875, Invitae internal data). Truncating variants in this region have also been identified in individuals affected with autosomal dominant dilated cardiomyopathy and/or cardio-related conditions (PMID: 27869827, 32964742, Invitae internal data). In summary, the currently available evidence indicates that the variant is pathogenic, but additional data are needed to prove that conclusively. Therefore, this variant has been classified as Likely Pathogenic.

Literature cited by the submitters: PubMed 25589632; PubMed 23975875; PubMed 27869827; PubMed 32964742.

NM_001267550.2(TTN):c.27306T>A (p.Cys9102Ter)

Gene: TTN (titin; minus strand). Cytogenetic location: 2q31.2.
Variant type: single nucleotide variant.
Coding change: c.27306T>A on transcript NM_001267550.2 (MANE Select); coding-DNA position 27306, T replaced by A.
Protein change: p.Cys9102Ter; replaces cysteine 9102 with a stop codon.
Molecular consequence: nonsense. On other transcripts: intron variant (3).
Genome position (GRCh38, 1-based): chr2:178,712,719, A>T on the plus strand (T>A on the coding strand, the complement: TTN is on the minus strand). VCF-style: chr2-178712719-A-T. GRCh37 (hg19) VCF-style: chr2-179577446-A-T.
Other names: c.26355T>A, p.Cys8785Ter (NM_001256850.1); c.23574T>A, p.Cys7858Ter (NM_133378.4); c.13282+25363T>A (NM_003319.4); c.13858+25363T>A (NM_133437.4); c.13657+25363T>A (NM_133432.3); short protein forms C7858*, C8785*, C9102*.
Identifiers: ClinVar variation 3755450 (VCV003755450.2).